The following is an entry in ClinVar:

NM_003124.5(SPR):c.145C>G (p.Gln49Glu)

Genes: SPR (sepiapterin reductase; plus strand), LOC129934069 (ATAC-STARR-seq lymphoblastoid silent region 11626; plus strand). Cytogenetic location: 2p13.2.
Variant type: single nucleotide variant.
Coding change: c.145C>G on transcript NM_003124.5 (MANE Select); coding-DNA position 145, C replaced by G.
Protein change: p.Gln49Glu; replaces glutamine 49 with glutamic acid.
Molecular consequence: missense variant.
Genome position (GRCh38, 1-based): chr2:72,887,577, C>G. VCF-style: chr2-72887577-C-G. GRCh37 (hg19) VCF-style: chr2-73114706-C-G.
Other names: short protein forms Q49E.
Identifiers: ClinVar variation 1385110 (VCV001385110.8), dbSNP rs1343111381, ClinGen allele CA347230604.

ClinVar aggregate classification (germline): Uncertain significance (1 of 4 stars; one submission).

Conditions:
Dystonic disorder. Also called: Dystonia. Identifiers: MedGen C0013421, MONDO:0003441, HP:0001332.

Submission:

Labcorp Genetics (formerly Invitae), Labcorp
Classification: Uncertain significance for Dystonic disorder. Last evaluated: 2021-04-05. Review status: criteria provided, single submitter. Criteria: Invitae Variant Classification Sherloc (09022015). Collection method: clinical testing. Allele origin: germline.
Comment: In summary, the available evidence is currently insufficient to determine the role of this variant in disease. Therefore, it has been classified as a Variant of Uncertain Significance. Algorithms developed to predict the effect of missense changes on protein structure and function output the following: SIFT: "Tolerated"; PolyPhen-2: "Benign"; Align-GVGD: "Class C0". The glutamic acid amino acid residue is found in multiple mammalian species, suggesting that this missense change does not adversely affect protein function. These predictions have not been confirmed by published functional studies and their clinical significance is uncertain. This variant has not been reported in the literature in individuals with SPR-related conditions. The frequency data for this variant in the population databases is considered unreliable, as metrics indicate insufficient coverage at this position in the ExAC database. This sequence change replaces glutamine with glutamic acid at codon 49 of the SPR protein (p.Gln49Glu). The glutamine residue is highly conserved and there is a small physicochemical difference between glutamine and glutamic acid.